The following is an entry in ClinVar:

NM_006087.4(TUBB4A):c.745G>A (p.Asp249Asn)

Gene: TUBB4A (tubulin beta 4A class IVa; minus strand). Cytogenetic location: 19p13.3.
Variant type: single nucleotide variant.
Coding change: c.745G>A on transcript NM_006087.4 (MANE Select); coding-DNA position 745, G replaced by A.
Protein change: p.Asp249Asn; replaces aspartic acid 249 with asparagine.
Molecular consequence: missense variant.
Genome position (GRCh38, 1-based): chr19:6,495,754, C>T on the plus strand (G>A on the coding strand, the complement: TUBB4A is on the minus strand). VCF-style: chr19-6495754-C-T. GRCh37 (hg19) VCF-style: chr19-6495765-C-T.
Other names: c.898G>A, p.Asp300Asn (NM_001289123.2); c.880G>A, p.Asp294Asn (NM_001289127.2); c.745G>A, p.Asp249Asn (NM_001289129.2); c.529G>A, p.Asp177Asn (NM_001289130.2, NM_001289131.2); short protein forms D249N, D300N, D177N, D294N.
Identifiers: ClinVar variation 50985 (VCV000050985.138), dbSNP rs483352809, ClinGen allele CA143913.

ClinVar aggregate classification (germline): Pathogenic/Likely pathogenic. Review status: criteria provided, multiple submitters, no conflicts (2 of 4 stars). 16 submissions from 16 submitters: Pathogenic (12); Likely pathogenic (1). 3 of the submissions do not count toward it. Last evaluated 2026-01-20.

Conditions:
Torsion dystonia 4. Also called: DYT-TUBB4A (Autosomal Dominant Torsion Dystonia); DYSTONIA MUSCULORUM DEFORMANS 4. Identifiers: Orphanet 98805, MedGen C1851943, MONDO:0007493, OMIM 128101.
Leukodystrophy, hypomyelinating, 6. Also called: Hypomyelination with Atrophy of Basal Ganglia and Cerebellum (H-ABC); LEUKODYSTROPHY, HYPOMYELINATING, WITH ATROPHY OF THE BASAL GANGLIA AND CEREBELLUM; TUBB4A-Associated Leukodystrophy. Identifiers: Orphanet 139441, MedGen C2676244, MONDO:0012905, OMIM 612438.
Abnormality of the nervous system. Also called: Congenital nervous system disorder. Identifiers: MedGen C0497552, MONDO:0002320, HP:0000707.

Submissions (16):

3billion
Classification: Pathogenic for Leukodystrophy, hypomyelinating, 6. Last evaluated: 2026-01-20. Review status: criteria provided, single submitter. Criteria: ACMG Guidelines, 2015. Collection method: clinical testing. Allele origin: germline. Affected: yes.
Comment: The variant is not observed in the gnomAD v4.1.0 dataset. Predicted Consequence/Location: Missense variant. Missense changes are a common disease-causing mechanism. In silico tool predictions suggest damaging effect of the variant on gene or gene product [REVEL: 0.84 (>=0.6, sensitivity 0.68 and specificity 0.92); 3Cnet: 1.00 (> 0.75, sensitivity 0.96 and precision 0.92)]. The same nucleotide change resulting in the same amino acid change has been previously reported as pathogenic/likely pathogenic with strong evidence (ClinVar ID: VCV000050985 /PMID: 23582646 /3billion dataset). The variant has been observed in multiple (>3) similarly affected unrelated individuals (PMID: 23582646, 24706558, 25545912). Therefore, this variant is classified as Pathogenic according to the recommendation of ACMG/AMP guideline.

Labcorp Genetics (formerly Invitae), Labcorp
Classification: Pathogenic for Leukodystrophy, hypomyelinating, 6. Last evaluated: 2024-11-19. Review status: criteria provided, single submitter. Criteria: Invitae Variant Classification Sherloc (09022015). Collection method: clinical testing. Allele origin: germline.
Comment: This sequence change replaces aspartic acid, which is acidic and polar, with asparagine, which is neutral and polar, at codon 249 of the TUBB4A protein (p.Asp249Asn). This variant is not present in population databases (gnomAD no frequency). This missense change has been observed in individual(s) with hypomyelination with atrophy of the basal ganglia and cerebellum (H-ABC) (PMID: 23582646, 24706558, 25545912). In at least one individual the variant was observed to be de novo. ClinVar contains an entry for this variant (Variation ID: 50985). Invitae Evidence Modeling of protein sequence and biophysical properties (such as structural, functional, and spatial information, amino acid conservation, physicochemical variation, residue mobility, and thermodynamic stability) has been performed for this missense variant. However, the output from this modeling did not meet the statistical confidence thresholds required to predict the impact of this variant on TUBB4A protein function. Experimental studies have shown that this missense change affects TUBB4A function (PMID: 28973395, 30079973). For these reasons, this variant has been classified as Pathogenic.

GeneDx
Classification: Pathogenic. Last evaluated: 2023-05-18. Review status: criteria provided, single submitter. Criteria: GeneDx Variant Classification Process June 2021. Collection method: clinical testing. Allele origin: germline. Affected: yes.
Comment: Not observed at significant frequency in large population cohorts (gnomAD); In silico analysis supports that this missense variant has a deleterious effect on protein structure/function; This variant is associated with the following publications: (PMID: 34514881, 23582646, 28973395, 30079973, 30350845, 32371413, 32463361, 7983175, 25326635, 24785942, 24706558, 24850488, 25545912, 32005694, 35586607)

Kasturba Medical College, Manipal, Kasturba Medical College, Manipal, Manipal Academy of Higher Education, Manipal, India
Classification: Pathogenic for Leukodystrophy, hypomyelinating, 6. Last evaluated: 2023-01-01. Review status: criteria provided, single submitter. Criteria: ACMG Guidelines, 2015. Collection method: clinical testing. Allele origin: germline. Inheritance: Autosomal dominant inheritance. Affected: yes.

Institute of Human Genetics, University of Leipzig Medical Center
Classification: Pathogenic for Leukodystrophy, hypomyelinating, 6. Last evaluated: 2022-01-25. Review status: criteria provided, single submitter. Criteria: ACMG Guidelines, 2015. Collection method: clinical testing. Allele origin: de novo. Affected: yes.
Comment: This variant was identified as de novo (maternity and paternity confirmed)._x000D_ Criteria applied: PS2_VSTR, PS3, PM1, PM2_SUP, PP3

Kariminejad - Najmabadi Pathology & Genetics Center
Classification: Pathogenic for Abnormality of the nervous system. Last evaluated: 2021-07-10. Review status: criteria provided, single submitter. Criteria: ACMG Guidelines, 2015. Collection method: clinical testing. Allele origin: germline. Affected: yes.

Molecular Diagnostics Lab, Nemours Children's Health, Delaware
Classification: Pathogenic for Leukodystrophy, hypomyelinating, 6. Last evaluated: 2020-12-30. Review status: criteria provided, single submitter. Criteria: ACMG Guidelines, 2015. Collection method: clinical testing. Allele origin: unknown. Inheritance: Autosomal dominant inheritance. Affected: yes. Observed: 3 heterozygotes.
Comment: This missense variant (c.745G>A, p.Asp248Asn) has not been observed in population databases (gnomAD), but the change has been reported in the literature (PMID 24785942, PMID 23582646, PMID 16707859, PMID 7983175, PMID 24850488, PMID 18466252, PMID 30079973, PMID 28973395). Variant prediction programs suggest a deleterious effect, and this is supported in published functional studies (PMID 30079973, PMID 28973395). It has been seen in 3 unrelated affected individuals in this laboratory.

Genetics and Molecular Pathology, SA Pathology
Classification: Pathogenic for Leukodystrophy, hypomyelinating, 6. Last evaluated: 2020-10-29. Review status: criteria provided, single submitter. Criteria: ACMG Guidelines, 2015. Collection method: clinical testing. Allele origin: germline. Inheritance: Autosomal dominant inheritance. Affected: yes.
Comment: The TUBB4A c.745G>A missense variant is classified as PATHOGENIC (PS4_moderate, PM2, PS2, PP2, PP3) The TUBB4A c.745G>A missense variant is a single nucleotide change in exon 4 of the TUBB4A gene, which is predicted to change the amino acid aspartic acid at position 249 in the protein to asparagine. This recurrent variant has been reported in multiple patients with leukodystrophy, specifically, hypomyelination with atrophy of the basal ganglia and cerebellum (H-ABC) (PMID:23582646, PMID:24785942) (PS4_moderate). The variant is in dbSNP (rs483352809) but is absent from population databases (PM2). This variant has been reported in ClinVar as pathogenic by multiple other diagnostic laboratories (Variation ID:50985). The variant is a missense variant in a gene with low rate of benign missense variants (PP2). Computational predictions support a deleterious effect on the gene or gene product (PP3).

Revvity Omics, Revvity
Classification: Pathogenic. Last evaluated: 2020-08-05. Review status: criteria provided, single submitter. Criteria: ACMG Guidelines, 2015. Collection method: clinical testing. Allele origin: germline.

CeGaT Center for Human Genetics Tuebingen
Classification: Pathogenic. Last evaluated: 2019-08-01. Review status: criteria provided, single submitter. Criteria: CeGaT Center For Human Genetics Tuebingen Variant Classification Criteria Version 2. Collection method: clinical testing. Allele origin: germline. Affected: yes. Observed: 1 variant allele.

Institute for Genomic Medicine (IGM) Clinical Laboratory, Nationwide Children's Hospital
Classification: Pathogenic for Torsion dystonia 4; Leukodystrophy, hypomyelinating, 6. Last evaluated: 2019-01-15. Review status: criteria provided, single submitter. Criteria: ACMG Guidelines, 2015. Collection method: clinical testing. Allele origin: germline. Affected: yes.
Comment: [ACMG/AMP: PS2, PS3, PM1, PM2, PP2, PP3] This alteration is de novo in origin as it was not detected in the submitted parental specimens (identity confirmed) [PS2], is supported by well-established in vitro or in vivo functional studies to have a damaging effect on protein function or splicing [PS3], is located in a mutational hotspot and/or critical and well-established functional domain [PM1], is absent from or rarely observed in large-scale population databases [PM2], is a missense variant in a gene in which missense variants are a common mechanism of disease [PP2], is predicted to be damaging by multiple functional prediction tools [PP3].

Baylor Genetics
Classification: Pathogenic for Leukodystrophy, hypomyelinating, 6. Last evaluated: 2017-09-01. Review status: criteria provided, single submitter. Criteria: ACMG Guidelines, 2015. Collection method: clinical testing. Allele origin: de novo. Inheritance: Autosomal dominant inheritance. Affected: yes.

Clinical Genetics and Genomics, Karolinska University Hospital
Classification: Likely pathogenic. Last evaluated: 2016-07-07. Review status: criteria provided, single submitter. Criteria: ACMG Guidelines, 2015. Collection method: clinical testing. Allele origin: germline. Affected: yes. Observed: 1 variant allele.

OMIM
Classification: Pathogenic for LEUKODYSTROPHY, HYPOMYELINATING, 6. Last evaluated: 2014-05-21. Review status: no assertion criteria provided. Collection method: literature only. Allele origin: unknown. Not counted in ClinVar's aggregate classification.

GeneReviews
No classification provided. Condition: Leukodystrophy, hypomyelinating, 6. Review status: no classification provided. Collection method: literature only. Allele origin: germline. Not counted in ClinVar's aggregate classification.

Texas Scottish Rite Hospital for Children
No classification provided. Condition: Leukodystrophy, hypomyelinating, 6. Review status: no classification provided. Collection method: not provided. Allele origin: germline. Not counted in ClinVar's aggregate classification.

Literature cited by the submitters: PubMed 24706558 (cited by 3 submitters); PubMed 23582646 (cited by 7 submitters); PubMed 25545912 (cited by 3billion and Labcorp Genetics (formerly Invitae), Labcorp); PubMed 28973395 (cited by 3 submitters); PubMed 30079973 (cited by 3 submitters); PubMed 18466252 (cited by 3 submitters); PubMed 24785942 (cited by 3 submitters); PubMed 2358646 (cited by Molecular Diagnostics Lab, Nemours Children's Health, Delaware); PubMed 16707859 (cited by Molecular Diagnostics Lab, Nemours Children's Health, Delaware and OMIM); PubMed 7983175 (cited by Molecular Diagnostics Lab, Nemours Children's Health, Delaware and OMIM); PubMed 24850488 (cited by 3 submitters); PubMed 25326635 (cited by Baylor Genetics); NCBI Bookshelf NBK395611 (cited by GeneReviews).